The following is an entry in ClinVar:

ClinVar aggregate classification (germline): Uncertain significance. Review status: criteria provided, multiple submitters, no conflicts (2 of 4 stars). 3 submissions from 3 submitters: Uncertain significance (3). Last evaluated 2025-05-28.

Conditions:
Familial cancer of breast. Also called: Hereditary breast cancer; BREAST CANCER, FAMILIAL; hereditary breast carcinoma. Identifiers: Orphanet 227535, MedGen C0346153, MONDO:0016419, OMIM 114480. Disease mechanism: loss of function.
Fanconi anemia complementation group J. Also called: BRIP1-Related Fanconi Anemia. Identifiers: Orphanet 84, MedGen C1836860, MONDO:0012187, OMIM 609054.
Hereditary cancer-predisposing syndrome. Also called: Hereditary Cancer Syndrome; Neoplastic Syndromes, Hereditary; Hereditary neoplastic syndrome; Tumor predisposition. Identifiers: Orphanet 140162, MedGen C0027672, MeSH D009386, MONDO:0015356.

Submissions (3):

Ambry Genetics
Classification: Uncertain significance for Hereditary cancer-predisposing syndrome. Last evaluated: 2025-05-28. Review status: criteria provided, single submitter. Criteria: Ambry Variant Classification Scheme 2023. Collection method: clinical testing. Allele origin: germline.
Comment: The p.I641F variant (also known as c.1921A>T), located in coding exon 12 of the BRIP1 gene, results from an A to T substitution at nucleotide position 1921. The isoleucine at codon 641 is replaced by phenylalanine, an amino acid with highly similar properties. This amino acid position is conserved. In addition, this alteration is predicted to be deleterious by in silico analysis. Based on the available evidence, the clinical significance of this variant remains unclear.

Labcorp Genetics (formerly Invitae), Labcorp
Classification: Uncertain significance for Familial cancer of breast; Fanconi anemia complementation group J. Last evaluated: 2024-08-11. Review status: criteria provided, single submitter. Criteria: Invitae Variant Classification Sherloc (09022015). Collection method: clinical testing. Allele origin: germline.
Comment: This sequence change replaces isoleucine, which is neutral and non-polar, with phenylalanine, which is neutral and non-polar, at codon 641 of the BRIP1 protein (p.Ile641Phe). This variant is not present in population databases (gnomAD no frequency). This variant has not been reported in the literature in individuals affected with BRIP1-related conditions. ClinVar contains an entry for this variant (Variation ID: 803454). Advanced modeling of protein sequence and biophysical properties (such as structural, functional, and spatial information, amino acid conservation, physicochemical variation, residue mobility, and thermodynamic stability) performed at Invitae indicates that this missense variant is expected to disrupt BRIP1 protein function with a positive predictive value of 80%. In summary, the available evidence is currently insufficient to determine the role of this variant in disease. Therefore, it has been classified as a Variant of Uncertain Significance.

Mendelics
Classification: Uncertain significance for Familial cancer of breast. Last evaluated: 2019-05-28. Review status: criteria provided, single submitter. Criteria: Mendelics Assertion Criteria 2017. Collection method: clinical testing. Allele origin: unknown.

NM_032043.3(BRIP1):c.1921A>T (p.Ile641Phe)

Gene: BRIP1 (BRCA1 interacting DNA helicase 1; minus strand). Cytogenetic location: 17q23.2.
Variant type: single nucleotide variant.
Coding change: c.1921A>T on transcript NM_032043.3 (MANE Select); coding-DNA position 1921, A replaced by T.
Protein change: p.Ile641Phe; replaces isoleucine 641 with phenylalanine.
Molecular consequence: missense variant.
Genome position (GRCh38, 1-based): chr17:61,780,275, T>A on the plus strand (A>T on the coding strand, the complement: BRIP1 is on the minus strand). VCF-style: chr17-61780275-T-A. GRCh37 (hg19) VCF-style: chr17-59857636-T-A.
Other names: c.1921A>T (NM_032043.2); short protein forms I641F.
Identifiers: ClinVar variation 803454 (VCV000803454.8), dbSNP rs1603333007, ClinGen allele CA400479198.